The following is an entry in ClinVar:

NM_033656.4(BRWD1):c.2066G>A (p.Arg689Gln)

Gene: BRWD1 (bromodomain and WD repeat domain containing 1; minus strand). Cytogenetic location: 21q22.2.
Variant type: single nucleotide variant.
Coding change: c.2066G>A on transcript NM_033656.4 (MANE Select); coding-DNA position 2066, G replaced by A.
Protein change: p.Arg689Gln; replaces arginine 689 with glutamine.
Molecular consequence: missense variant.
Genome position (GRCh38, 1-based): chr21:39,258,492, C>T on the plus strand (G>A on the coding strand, the complement: BRWD1 is on the minus strand). VCF-style: chr21-39258492-C-T. GRCh37 (hg19) VCF-style: chr21-40630418-C-T.
Other names: c.2066G>A, p.Arg689Gln (NM_018963.5); short protein forms R689Q.
Identifiers: ClinVar variation 4681987 (VCV004681987.5).
Genomic context (GRCh38, chr21:39,258,492, plus strand): 5'-CTCTTTAATTTCAATGCAGCCATATTCAGGTAAAACATTTATCACTATTTATTACCTCTC[C>T]GGGGTGTTTCTTCACCATTTGAAAGTCCTCTTGGAATAGTATCCTGATCTGCTCCCATTC-3'
Protein context (NP_387505.1, residues 679-699): RGLSNGEETP[Arg689Gln]RGFRRLSLDI

ClinVar aggregate classification (germline): Uncertain significance (1 of 4 stars; one submission).

gnomAD v4.1: 11 of 1,591,900 alleles (0.00069%); highest among the groups gnomAD compares: South Asian, 0.0023%; no homozygotes.

Submission:

CeGaT Center for Human Genetics Tuebingen
Classification: Uncertain significance. Last evaluated: 2025-12-01. Review status: criteria provided, single submitter. Criteria: CeGaT Center For Human Genetics Tuebingen Variant Classification Criteria Version 2. Collection method: clinical testing. Allele origin: germline. Affected: yes. Observed: 1 variant allele.
Comment: BRWD1: PM2